The following is an entry in ClinVar:

ClinVar aggregate classification (germline): Uncertain significance (1 of 4 stars; one submission).

Conditions:
Dyskeratosis congenita, autosomal dominant 6 (DKCA6). Identifiers: Orphanet 3322, MedGen C4225284, MONDO:0014690, OMIM 616553.

Allele frequency attached by ClinVar (database versions not stated): gnomAD exomes below 0.00001.

Submission:

Labcorp Genetics (formerly Invitae), Labcorp
Classification: Uncertain significance for Dyskeratosis congenita, autosomal dominant 6. Last evaluated: 2021-05-26. Review status: criteria provided, single submitter. Criteria: Invitae Variant Classification Sherloc (09022015). Collection method: clinical testing. Allele origin: germline.
Comment: In summary, the available evidence is currently insufficient to determine the role of this variant in disease. Therefore, it has been classified as a Variant of Uncertain Significance. Algorithms developed to predict the effect of missense changes on protein structure and function are either unavailable or do not agree on the potential impact of this missense change (SIFT: "Deleterious"; PolyPhen-2: "Probably Damaging"; Align-GVGD: "Class C0"). This variant has not been reported in the literature in individuals with ACD-related conditions. This variant is not present in population databases (ExAC no frequency). This sequence change replaces glutamine with histidine at codon 320 of the ACD protein (p.Gln320His). The glutamine residue is moderately conserved and there is a small physicochemical difference between glutamine and histidine.

NM_001082486.2(ACD):c.702G>C (p.Gln234His)

Gene: ACD (ACD shelterin complex subunit and telomerase recruitment factor; minus strand). Cytogenetic location: 16q22.1.
Variant type: single nucleotide variant.
Coding change: c.702G>C on transcript NM_001082486.2 (MANE Select); coding-DNA position 702, G replaced by C.
Protein change: p.Gln234His; replaces glutamine 234 with histidine.
Molecular consequence: missense variant.
Genome position (GRCh38, 1-based): chr16:67,658,760, C>G on the plus strand (G>C on the coding strand, the complement: ACD is on the minus strand). VCF-style: chr16-67658760-C-G. GRCh37 (hg19) VCF-style: chr16-67692663-C-G.
Other names: c.693G>C, p.Gln231His (NM_022914.3); short protein forms Q231H, Q234H.
Identifiers: ClinVar variation 1508223 (VCV001508223.8), dbSNP rs1202466632, ClinGen allele CA396353541.